The following is an entry in ClinVar:

ClinVar aggregate classification (germline): Uncertain significance (1 of 4 stars; one submission).

Conditions:
Xeroderma pigmentosum (XP). Identifiers: Orphanet 910, MedGen C0043346, MONDO:0019600.

Allele frequency attached by ClinVar (database versions not stated): gnomAD 0.00001 and 0.00002; TOPMed 0.00001; gnomAD exomes 0.00002 and 0.00004; ExAC 0.00005; ESP Exome Variant Server 0.00008.
gnomAD v4.1: 37 of 1,610,470 alleles (0.0023%); highest among the groups gnomAD compares: Non-Finnish European, 0.0021%; no homozygotes.

Submission:

Sema4
Classification: Uncertain significance for Xeroderma pigmentosum. Last evaluated: 2021-06-12. Review status: criteria provided, single submitter. Criteria: Sema4 Curation Guidelines. Collection method: curation. Allele origin: germline.
Comment: The XPC c.91G>A (p.E31K) variant has not been reported in the literature to our knowledge. It was observed in 11/275794 chromosomes, with no homozygotes, in the large and broad cohorts of the Genome Aggregation Database. The variant has not been reported in ClinVar. In silico tools suggest the impact of the variant on protein function is benign, though these predictions have not been confirmed by functional studies. The evidence is insufficient to meet ACMG/AMP criteria for classifying the variant as benign or pathogenic. Thus, the clinical significance of this variant is currently uncertain.

NM_004628.5(XPC):c.91G>A (p.Glu31Lys)

Genes: XPC (XPC complex subunit, DNA damage recognition and repair factor; minus strand), LOC129936244 (ATAC-STARR-seq lymphoblastoid active region 19500; plus strand). Cytogenetic location: 3p25.1.
Variant type: single nucleotide variant.
Coding change: c.91G>A on transcript NM_004628.5 (MANE Select); coding-DNA position 91, G replaced by A.
Protein change: p.Glu31Lys; replaces glutamic acid 31 with lysine.
Molecular consequence: missense variant. On other transcripts: 5 prime UTR variant (1), non-coding transcript variant (2), intron variant (1).
Genome position (GRCh38, 1-based): chr3:14,178,478, C>T on the plus strand (G>A on the coding strand, the complement: XPC is on the minus strand). VCF-style: chr3-14178478-C-T. GRCh37 (hg19) VCF-style: chr3-14219978-C-T.
Other names: c.-365G>A (NM_001354726.2); c.91G>A, p.Glu31Lys (NM_001354727.2, NM_001354730.2); c.85+6G>A (NM_001354729.2); short protein forms E31K.
Identifiers: ClinVar variation 1692832 (VCV001692832.1), dbSNP rs368820141, ClinGen allele CA2267824.